The following is an entry in ClinVar:

NM_016507.4(CDK12):c.3290G>T (p.Gly1097Val)

Gene: CDK12 (cyclin dependent kinase 12; plus strand). Cytogenetic location: 17q12.
Variant type: single nucleotide variant.
Coding change: c.3290G>T on transcript NM_016507.4 (MANE Select); coding-DNA position 3290, G replaced by T.
Protein change: p.Gly1097Val; replaces glycine 1097 with valine.
Molecular consequence: missense variant.
Genome position (GRCh38, 1-based): chr17:39,524,868, G>T. VCF-style: chr17-39524868-G-T. GRCh37 (hg19) VCF-style: chr17-37681121-G-T.
Other names: c.3290G>T, p.Gly1097Val (NM_015083.4); short protein forms G1097V.
Identifiers: ClinVar variation 3999220 (VCV003999220.1).

ClinVar aggregate classification (germline): Uncertain significance (1 of 4 stars; one submission).

gnomAD v4.1: 1 of 1,613,702 alleles (0.000062%); highest among the groups gnomAD compares: African/African-American, 0.0013%; no homozygotes.

Submission:

Ambry Genetics
Classification: Uncertain significance. Last evaluated: 2025-03-15. Review status: criteria provided, single submitter. Criteria: Ambry Variant Classification Scheme 2023. Collection method: clinical testing. Allele origin: germline.
Comment: The p.G1097V variant (also known as c.3290G>T), located in coding exon 12 of the CDK12 gene, results from a G to T substitution at nucleotide position 3290. The glycine at codon 1097 is replaced by valine, an amino acid with dissimilar properties. This amino acid position is conserved. In addition, this alteration is predicted to be tolerated by in silico analysis. Based on the available evidence, the clinical significance of this variant remains unclear.